The following is an entry in ClinVar:

NM_003482.4(KMT2D):c.920T>C (p.Met307Thr)

Gene: KMT2D (lysine methyltransferase 2D; minus strand). Cytogenetic location: 12q13.12.
Variant type: single nucleotide variant.
Coding change: c.920T>C on transcript NM_003482.4 (MANE Select); coding-DNA position 920, T replaced by C.
Protein change: p.Met307Thr; replaces methionine 307 with threonine.
Molecular consequence: missense variant.
Genome position (GRCh38, 1-based): chr12:49,053,241, A>G on the plus strand (T>C on the coding strand, the complement: KMT2D is on the minus strand). VCF-style: chr12-49053241-A-G. GRCh37 (hg19) VCF-style: chr12-49447024-A-G.
Other names: short protein forms M307T.
Identifiers: ClinVar variation 3682784 (VCV003682784.2).

ClinVar aggregate classification (germline): Uncertain significance (1 of 4 stars; one submission).

Conditions:
Kabuki syndrome. Also called: NIIKAWA-KUROKI SYNDROME; Kabuki make-up syndrome. Identifiers: Orphanet 2322, MedGen C0796004, MONDO:0016512.

Submission:

Labcorp Genetics (formerly Invitae), Labcorp
Classification: Uncertain significance for Kabuki syndrome. Last evaluated: 2024-03-12. Review status: criteria provided, single submitter. Criteria: Invitae Variant Classification Sherloc (09022015). Collection method: clinical testing. Allele origin: germline.
Comment: This sequence change replaces methionine, which is neutral and non-polar, with threonine, which is neutral and polar, at codon 307 of the KMT2D protein (p.Met307Thr). This variant is not present in population databases (gnomAD no frequency). This variant has not been reported in the literature in individuals affected with KMT2D-related conditions. Advanced modeling of protein sequence and biophysical properties (such as structural, functional, and spatial information, amino acid conservation, physicochemical variation, residue mobility, and thermodynamic stability) performed at Invitae indicates that this missense variant is expected to disrupt KMT2D protein function with a positive predictive value of 95%. In summary, the available evidence is currently insufficient to determine the role of this variant in disease. Therefore, it has been classified as a Variant of Uncertain Significance.